The following is an entry in ClinVar:

ClinVar aggregate classification (germline): Uncertain significance. Review status: criteria provided, multiple submitters, no conflicts (2 of 4 stars). 2 submissions from 2 submitters: Uncertain significance (2). Last evaluated 2026-01-23.

Conditions:
Polycystic kidney disease, adult type (PKD1). Also called: Polycystic Kidney Disease 1, Autosomal Dominant; Polycystic kidney disease 1; Polycystic kidney disease 1, severe; Polycystic Kidney, Autosomal Dominant; POLYCYSTIC KIDNEY DISEASE 1 WITH OR WITHOUT POLYCYSTIC LIVER DISEASE; POLYCYSTIC KIDNEY DISEASE, ADULT, TYPE I. Identifiers: MedGen C3149841, MONDO:0008263, OMIM 173900.

Submissions (2):

3billion
Classification: Uncertain significance for Polycystic kidney disease, adult type. Last evaluated: 2026-01-23. Review status: criteria provided, single submitter. Criteria: ACMG Guidelines, 2015. Collection method: clinical testing. Allele origin: germline. Affected: yes.
Comment: The variant is not observed in the gnomAD v4.1.0 dataset. Predicted Consequence/Location: Missense variant In silico tool predictions suggest damaging effect of the variant on gene or gene product [REVEL: 0.72 (>=0.6, sensitivity 0.68 and specificity 0.92)]. The same nucleotide change resulting in the same amino acid change has been previously reported to be associated with PKD1-related disorder (PMID: 31740684). However, the evidence of pathogenicity is insufficient at this time. Therefore, this variant is classified as VUS according to the recommendation of ACMG/AMP guideline.

MVZ Martinsried, Medicover Genetics
Classification: Uncertain significance for Polycystic kidney disease, adult type. Last evaluated: 2024-02-29. Review status: criteria provided, single submitter. Criteria: ACGS Guidelines, 2020. Collection method: clinical testing. Allele origin: unknown. Affected: yes.

Literature cited by the submitters: PubMed 31740684 (cited by 3billion).

NM_001009944.3(PKD1):c.9758T>C (p.Leu3253Pro)

Gene: PKD1 (polycystin 1, transient receptor potential channel interacting; minus strand). Cytogenetic location: 16p13.3.
Variant type: single nucleotide variant.
Coding change: c.9758T>C on transcript NM_001009944.3 (MANE Select); coding-DNA position 9758, T replaced by C.
Protein change: p.Leu3253Pro; replaces leucine 3253 with proline.
Molecular consequence: missense variant.
Genome position (GRCh38, 1-based): chr16:2,100,026, A>G on the plus strand (T>C on the coding strand, the complement: PKD1 is on the minus strand). VCF-style: chr16-2100026-A-G. GRCh37 (hg19) VCF-style: chr16-2150027-A-G.
Other names: c.9758T>C, p.Leu3253Pro (NM_000296.4); short protein forms L3253P.
Identifiers: ClinVar variation 3572979 (VCV003572979.2).